The following is an entry in ClinVar:

ClinVar aggregate classification (germline): Conflicting classifications of pathogenicity. Review status: criteria provided, conflicting classifications (1 of 4 stars). 3 submissions from 3 submitters: Uncertain significance (1); Likely benign (1). 1 of the submissions does not count toward it. Last evaluated 2024-10-24.

Conditions:
Intellectual developmental disorder, autosomal dominant 54. Also called: MENTAL RETARDATION, AUTOSOMAL DOMINANT 54; Intellectual disability, autosomal dominant 54. Identifiers: MedGen C4540484, MONDO:0030920, OMIM 617799.

Allele frequency attached by ClinVar (database versions not stated): gnomAD exomes below 0.00001.
gnomAD v4.1: 5 of 1,536,750 alleles (0.00033%); highest among the groups gnomAD compares: South Asian, 0.0026%; no homozygotes.

Submissions (3):

Labcorp Genetics (formerly Invitae), Labcorp
Classification: Likely benign. Last evaluated: 2024-10-24. Review status: criteria provided, single submitter. Criteria: Invitae Variant Classification Sherloc (09022015). Collection method: clinical testing. Allele origin: germline.

Blueprint Genetics
Classification: Uncertain significance. Last evaluated: 2023-07-04. Review status: criteria provided, single submitter. Criteria: ACMG Guidelines, 2015. Collection method: clinical testing. Allele origin: germline.

Hong-Tao Li Lab, Institute of Brain Science and Brain-inspired Research, Shandong First Medical University & Shandong Academy of Medical Sciences China
Classification: Uncertain significance for Intellectual developmental disorder, autosomal dominant 54. Review status: no assertion criteria provided. Collection method: research. Allele origin: germline. Inheritance: Autosomal dominant inheritance. Affected: yes. Observed: 1 variant allele, 1 heterozygote. Not counted in ClinVar's aggregate classification.
Comment: Observed in affected individuals from a Pakistani neurodevelopmental-disorder research cohort of 263 individuals. Classification assigned using the ACMG/AMP framework.

NM_001220.5(CAMK2B):c.1112C>T (p.Thr371Met)

Gene: CAMK2B (calcium/calmodulin dependent protein kinase II beta; minus strand). Cytogenetic location: 7p13.
Variant type: single nucleotide variant.
Coding change: c.1112C>T on transcript NM_001220.5 (MANE Select); coding-DNA position 1112, C replaced by T.
Protein change: p.Thr371Met; replaces threonine 371 with methionine.
Molecular consequence: missense variant. On other transcripts: intron variant (3).
Genome position (GRCh38, 1-based): chr7:44,234,409, G>A on the plus strand (C>T on the coding strand, the complement: CAMK2B is on the minus strand). VCF-style: chr7-44234409-G-A. GRCh37 (hg19) VCF-style: chr7-44274008-G-A.
Other names: c.1112C>T, p.Thr371Met (NM_001293170.2, NM_172078.3); c.1040C>T, p.Thr347Met (NM_172079.3, NM_172081.3); c.1037C>T, p.Thr346Met (NM_172080.3); c.946+6298C>T (NM_172084.3); c.987+230C>T (NM_172083.3); c.1059+230C>T (NM_172082.3); short protein forms T347M, T371M, T346M.
Identifiers: ClinVar variation 2914490 (VCV002914490.5), dbSNP rs918980747, ClinGen allele CA157922694.